The following is an entry in ClinVar:

NM_000290.4(PGAM2):c.106G>A (p.Glu36Lys)

Genes: DBNL (drebrin like; plus strand), PGAM2 (phosphoglycerate mutase 2; minus strand). Cytogenetic location: 7p13.
Variant type: single nucleotide variant.
Coding change: c.106G>A on transcript NM_000290.4 (MANE Select); coding-DNA position 106, G replaced by A.
Protein change: p.Glu36Lys; replaces glutamic acid 36 with lysine.
Molecular consequence: missense variant. On other transcripts: 3 prime UTR variant (6).
Genome position (GRCh38, 1-based): chr7:44,065,424, C>T on the plus strand (G>A on the coding strand, the complement: PGAM2 is on the minus strand). VCF-style: chr7-44065424-C-T. GRCh37 (hg19) VCF-style: chr7-44105023-C-T.
Other names: c.*4508C>T (NM_001014436.3, NM_001122956.2, NM_001284313.2 and 3 more transcripts); short protein forms E36K.
Identifiers: ClinVar variation 2057692 (VCV002057692.1), dbSNP rs1044665276, ClinGen allele CA157875576.

ClinVar aggregate classification (germline): Uncertain significance (1 of 4 stars; one submission).

Conditions:
Glycogen storage disease type X (GSD10). Also called: MYOPATHY DUE TO PHOSPHOGLYCERATE MUTASE DEFICIENCY; Dimauro disease; PGAMM DEFICIENCY; PHOSPHOGLYCERATE MUTASE, MUSCLE, DEFICIENCY OF; GSD X; Glycogen storage disease due to phosphoglycerate mutase deficiency. Identifiers: Orphanet 97234, MedGen C0268149, MONDO:0009865, OMIM 261670.

Allele frequency attached by ClinVar (database versions not stated): gnomAD exomes 0.00001; gnomAD 0.00005; TOPMed 0.00006.
gnomAD v4.1: 21 of 1,614,020 alleles (0.0013%); highest among the groups gnomAD compares: Admixed American, 0.01%; no homozygotes.

Submission:

Labcorp Genetics (formerly Invitae), Labcorp
Classification: Uncertain significance for Glycogen storage disease type X. Last evaluated: 2022-08-08. Review status: criteria provided, single submitter. Criteria: Invitae Variant Classification Sherloc (09022015). Collection method: clinical testing. Allele origin: germline.
Comment: This sequence change replaces glutamic acid, which is acidic and polar, with lysine, which is basic and polar, at codon 36 of the PGAM2 protein (p.Glu36Lys). This variant is present in population databases (no rsID available, gnomAD 0.007%). This variant has not been reported in the literature in individuals affected with PGAM2-related conditions. Algorithms developed to predict the effect of missense changes on protein structure and function are either unavailable or do not agree on the potential impact of this missense change (SIFT: "Deleterious"; PolyPhen-2: "Benign"; Align-GVGD: "Class C15"). In summary, the available evidence is currently insufficient to determine the role of this variant in disease. Therefore, it has been classified as a Variant of Uncertain Significance.